The following is an entry in ClinVar:

NM_014231.5(VAMP1):c.71C>A (p.Pro24His)

Genes: TAPBPL (TAP binding protein like; plus strand), VAMP1 (vesicle associated membrane protein 1; minus strand). Cytogenetic location: 12p13.31.
Variant type: single nucleotide variant.
Coding change: c.71C>A on transcript NM_014231.5 (MANE Select); coding-DNA position 71, C replaced by A.
Protein change: p.Pro24His; replaces proline 24 with histidine.
Molecular consequence: missense variant.
Genome position (GRCh38, 1-based): chr12:6,466,283, G>T on the plus strand (C>A on the coding strand, the complement: VAMP1 is on the minus strand). VCF-style: chr12-6466283-G-T. GRCh37 (hg19) VCF-style: chr12-6575449-G-T.
Other names: c.71C>A, p.Pro24His (NM_001297438.2, NM_016830.4, NM_199245.3); short protein forms P24H.
Identifiers: ClinVar variation 2970322 (VCV002970322.3), dbSNP rs530052202, ClinGen allele CA6407719.

ClinVar aggregate classification (germline): Uncertain significance (1 of 4 stars; one submission).

Conditions:
Spastic paraplegia. Identifiers: MedGen C0037772, HP:0001258.

Allele frequency attached by ClinVar (database versions not stated): gnomAD exomes below 0.00001; TOPMed below 0.00001; ExAC 0.00002; gnomAD 0.00002; 1000 Genomes Project 30x 0.00016; 1000 Genomes Project 0.00020.
gnomAD v4.1: 7 of 1,614,206 alleles (0.00043%); highest among the groups gnomAD compares: Admixed American, 0.012%; no homozygotes.

Submission:

Labcorp Genetics (formerly Invitae), Labcorp
Classification: Uncertain significance for Spastic paraplegia. Last evaluated: 2022-11-24. Review status: criteria provided, single submitter. Criteria: Invitae Variant Classification Sherloc (09022015). Collection method: clinical testing. Allele origin: germline.
Comment: This variant is present in population databases (rs530052202, gnomAD 0.006%). This sequence change replaces proline, which is neutral and non-polar, with histidine, which is basic and polar, at codon 24 of the VAMP1 protein (p.Pro24His). This variant has not been reported in the literature in individuals affected with VAMP1-related conditions. In summary, the available evidence is currently insufficient to determine the role of this variant in disease. Therefore, it has been classified as a Variant of Uncertain Significance. Algorithms developed to predict the effect of missense changes on protein structure and function are either unavailable or do not agree on the potential impact of this missense change (SIFT: "Tolerated"; PolyPhen-2: "Possibly Damaging"; Align-GVGD: "Class C0").